The following is an entry in ClinVar:

NM_138711.6(PPARG):c.964G>A (p.Glu322Lys)

Gene: PPARG (peroxisome proliferator activated receptor gamma; plus strand). Cytogenetic location: 3p25.2.
Variant type: single nucleotide variant.
Coding change: c.964G>A on transcript NM_138711.6 (MANE Select); coding-DNA position 964, G replaced by A.
Protein change: p.Glu322Lys; replaces glutamic acid 322 with lysine.
Molecular consequence: missense variant. On other transcripts: intron variant (5).
Genome position (GRCh38, 1-based): chr3:12,416,938, G>A. VCF-style: chr3-12416938-G-A. GRCh37 (hg19) VCF-style: chr3-12458437-G-A.
Other names: c.964G>A, p.Glu322Lys (NM_001354666.3, NM_001354667.3, NM_001374263.2 and 3 more transcripts); c.337G>A, p.Glu113Lys (NM_001354669.2); c.1054G>A, p.Glu352Lys (NM_015869.5); c.729+10857G>A (NM_001374261.3, NM_001374262.3, NM_001330615.4); c.653+10939G>A (NM_001374266.1); c.819+10857G>A (NM_001374265.1); short protein forms E352K, E113K, E322K.
Identifiers: ClinVar variation 436401 (VCV000436401.9), dbSNP rs530007199, ClinGen allele CA2258306.

ClinVar aggregate classification (germline): Uncertain significance. Review status: criteria provided, multiple submitters, no conflicts (2 of 4 stars). 3 submissions from 3 submitters: Uncertain significance (3). Last evaluated 2024-06-09.

Allele frequency attached by ClinVar (database versions not stated): gnomAD exomes below 0.00001; ExAC 0.00001.
gnomAD v4.1: 3 of 1,614,018 alleles (0.00019%); highest among the groups gnomAD compares: Non-Finnish European, 0.00025%; no homozygotes.

Submissions (3):

Labcorp Genetics (formerly Invitae), Labcorp
Classification: Uncertain significance. Last evaluated: 2024-06-09. Review status: criteria provided, single submitter. Criteria: Invitae Variant Classification Sherloc (09022015). Collection method: clinical testing. Allele origin: germline.
Comment: This sequence change replaces glutamic acid, which is acidic and polar, with lysine, which is basic and polar, at codon 352 of the PPARG protein (p.Glu352Lys). This variant is present in population databases (rs530007199, gnomAD 0.0009%). This missense change has been observed in individual(s) with familial partial lipodystrophy (PMID: 33502018). ClinVar contains an entry for this variant (Variation ID: 436401). Advanced modeling of protein sequence and biophysical properties (such as structural, functional, and spatial information, amino acid conservation, physicochemical variation, residue mobility, and thermodynamic stability) performed at Invitae indicates that this missense variant is expected to disrupt PPARG protein function with a positive predictive value of 80%. In summary, the available evidence is currently insufficient to determine the role of this variant in disease. Therefore, it has been classified as a Variant of Uncertain Significance.

Blueprint Genetics
Classification: Uncertain significance. Last evaluated: 2020-05-11. Review status: criteria provided, single submitter. Criteria: ACMG Guidelines, 2015. Collection method: clinical testing. Allele origin: germline.

Genetic Services Laboratory, University of Chicago
Classification: Uncertain significance. Last evaluated: 2016-04-22. Review status: criteria provided, single submitter. Criteria: ACMG Guidelines, 2015. Collection method: clinical testing. Allele origin: germline. Affected: no.

Literature cited by the submitters: PubMed 33502018 (cited by Labcorp Genetics (formerly Invitae), Labcorp).